The following is an entry in ClinVar:

ClinVar aggregate classification (germline): Uncertain significance. Review status: criteria provided, multiple submitters, no conflicts (2 of 4 stars). 5 submissions from 5 submitters: Uncertain significance (4). 1 of the submissions does not count toward it. Last evaluated 2026-01-27.

Conditions:
Enhanced S-cone syndrome (ESCS). Identifiers: Orphanet 53540, MedGen C1849394, MONDO:0100288, MONDO:0009989.
Retinitis pigmentosa 37 (RP37). Identifiers: Orphanet 791, MedGen C1970163, MONDO:0012625, OMIM 611131.
NR2E3-related disorder. Also called: NR2E3-related disorders; NR2E3-related condition. Identifiers: MedGen CN239387.

Allele frequency attached by ClinVar (database versions not stated): ExAC 0.00005; gnomAD exomes 0.00005; TOPMed 0.00009; gnomAD 0.00011.
gnomAD v4.1: 71 of 1,604,086 alleles (0.0044%); highest among the groups gnomAD compares: African/African-American, 0.048%; no homozygotes.

Submissions (5):

PreventionGenetics, part of Exact Sciences
Classification: Uncertain significance for NR2E3-related condition. Last evaluated: 2026-01-27. Review status: criteria provided, single submitter. Criteria: ACMG Guidelines, 2015. Collection method: clinical testing. Allele origin: germline.
Comment: The NR2E3 c.223G>A variant is predicted to result in the amino acid substitution p.Val75Ile. This variant has been reported in the heterozygous state in an individual with presumed autosomal dominant retinitis pigmentosa (Table S1, Maeda et al. 2018. PubMed ID: 29785639). This variant is present in 0.032% of alleles in individuals of African descent in gnomAD. At this time, the clinical significance of this variant is uncertain due to the absence of conclusive functional and genetic evidence.

Labcorp Genetics (formerly Invitae), Labcorp
Classification: Uncertain significance. Last evaluated: 2025-05-12. Review status: criteria provided, single submitter. Criteria: Invitae Variant Classification Sherloc (09022015). Collection method: clinical testing. Allele origin: germline.
Comment: This sequence change replaces valine with isoleucine at codon 75 of the NR2E3 protein (p.Val75Ile). The valine residue is highly conserved and there is a small physicochemical difference between valine and isoleucine. This variant is present in population databases (rs750284532, gnomAD 0.03%). This missense change has been observed in individual(s) with autosomal dominant retinitis pigmentosa (PMID: 29785639). ClinVar contains an entry for this variant (Variation ID: 952420). Invitae Evidence Modeling of protein sequence and biophysical properties (such as structural, functional, and spatial information, amino acid conservation, physicochemical variation, residue mobility, and thermodynamic stability) indicates that this missense variant is not expected to disrupt NR2E3 protein function with a negative predictive value of 80%. In summary, the available evidence is currently insufficient to determine the role of this variant in disease. Therefore, it has been classified as a Variant of Uncertain Significance.

Blueprint Genetics
Classification: Uncertain significance. Last evaluated: 2022-10-13. Review status: criteria provided, single submitter. Criteria: ACMG Guidelines, 2015. Collection method: clinical testing. Allele origin: germline.

Fulgent Genetics
Classification: Uncertain significance for ENHANCED S-CONE SYNDROME 1; Retinitis pigmentosa 37. Last evaluated: 2022-01-17. Review status: criteria provided, single submitter. Criteria: ACMG Guidelines, 2015. Collection method: clinical testing. Allele origin: unknown.

Natera, Inc.
Classification: Uncertain significance for Enhanced S cone syndrome. Last evaluated: 2020-02-01. Review status: no assertion criteria provided. Collection method: clinical testing. Allele origin: germline. Not counted in ClinVar's aggregate classification.

Literature cited by the submitters: PubMed 29785639 (cited by Labcorp Genetics (formerly Invitae), Labcorp).

NM_014249.4(NR2E3):c.223G>A (p.Val75Ile)

Gene: NR2E3 (nuclear receptor subfamily 2 group E member 3; plus strand). Cytogenetic location: 15q23.
Variant type: single nucleotide variant.
Coding change: c.223G>A on transcript NM_014249.4 (MANE Select); coding-DNA position 223, G replaced by A.
Protein change: p.Val75Ile; replaces valine 75 with isoleucine.
Molecular consequence: missense variant.
Genome position (GRCh38, 1-based): chr15:71,811,587, G>A. VCF-style: chr15-71811587-G-A. GRCh37 (hg19) VCF-style: chr15-72103927-G-A.
Other names: c.223G>A, p.Val75Ile (NM_016346.4); c.223G>A (NM_014249.2); short protein forms V75I.
Identifiers: ClinVar variation 952420 (VCV000952420.9), dbSNP rs750284532, ClinGen allele CA7640244.